The following is an entry in ClinVar:

ClinVar aggregate classification (germline): Uncertain significance. Review status: criteria provided, multiple submitters, no conflicts (2 of 4 stars). 2 submissions from 2 submitters: Uncertain significance (2). Last evaluated 2026-03-12.

Conditions:
Cardiovascular phenotype. Identifiers: MedGen CN230736.
Hypertrophic cardiomyopathy. Also called: HYPERTROPHIC MYOCARDIOPATHY. Identifiers: Orphanet 217569, MedGen C0007194, MeSH D002312, MONDO:0005045, HP:0001639.

Allele frequency attached by ClinVar (database versions not stated): gnomAD 0.00001; 1000 Genomes Project 30x 0.00016.
gnomAD v4.1: 2 of 1,403,094 alleles (0.00014%); highest among the groups gnomAD compares: South Asian, 0.0015%; no homozygotes.

Submissions (2):

Ambry Genetics
Classification: Uncertain significance for Cardiovascular phenotype. Last evaluated: 2026-03-12. Review status: criteria provided, single submitter. Criteria: Ambry Variant Classification Scheme 2023. Collection method: clinical testing. Allele origin: germline.
Comment: The p.R197H variant (also known as c.590G>A), located in coding exon 2 of the JPH2 gene, results from a G to A substitution at nucleotide position 590. The arginine at codon 197 is replaced by histidine, an amino acid with highly similar properties. This amino acid position is conserved. In addition, this alteration is predicted to be tolerated by in silico analysis. Based on the available evidence, the clinical significance of this variant remains unclear.

Labcorp Genetics (formerly Invitae), Labcorp
Classification: Uncertain significance for Hypertrophic cardiomyopathy. Last evaluated: 2023-08-27. Review status: criteria provided, single submitter. Criteria: Invitae Variant Classification Sherloc (09022015). Collection method: clinical testing. Allele origin: germline.
Comment: This sequence change replaces arginine, which is basic and polar, with histidine, which is basic and polar, at codon 197 of the JPH2 protein (p.Arg197His). This variant is not present in population databases (gnomAD no frequency). This variant has not been reported in the literature in individuals affected with JPH2-related conditions. An algorithm developed to predict the effect of missense changes on protein structure and function (PolyPhen-2) suggests that this variant is likely to be disruptive. In summary, the available evidence is currently insufficient to determine the role of this variant in disease. Therefore, it has been classified as a Variant of Uncertain Significance.

NM_020433.5(JPH2):c.590G>A (p.Arg197His)

Gene: JPH2 (junctophilin 2; minus strand). Cytogenetic location: 20q13.12.
Variant type: single nucleotide variant.
Coding change: c.590G>A on transcript NM_020433.5 (MANE Select); coding-DNA position 590, G replaced by A.
Protein change: p.Arg197His; replaces arginine 197 with histidine.
Molecular consequence: missense variant.
Genome position (GRCh38, 1-based): chr20:44,160,197, C>T on the plus strand (G>A on the coding strand, the complement: JPH2 is on the minus strand). VCF-style: chr20-44160197-C-T. GRCh37 (hg19) VCF-style: chr20-42788837-C-T.
Other names: short protein forms R197H.
Identifiers: ClinVar variation 3018205 (VCV003018205.5), dbSNP rs1258920337, ClinGen allele CA409094080.
Genomic context (GRCh38, chr20:44,160,197, plus strand): 5'-CCCTTGGGCGCCCGCGCGGCCGCCTCGGCATTGGCCAGGAGGCTGAGCGCGAAGCCGCCA[C>T]GCGGGATGGCGGGCGAGGGCAGCGCGGGGCCGTCGGAGGCCGGCGAGGCGGGAGAGTCCG-3'
Protein context (NP_065166.2, residues 187-207): GPALPSPAIP[Arg197His]GGFALSLLAN